The following is an entry in ClinVar:

NM_000214.3(JAG1):c.160T>C (p.Cys54Arg)

Gene: JAG1 (jagged canonical Notch ligand 1; minus strand). Cytogenetic location: 20p12.2.
Variant type: single nucleotide variant.
Coding change: c.160T>C on transcript NM_000214.3 (MANE Select); coding-DNA position 160, T replaced by C.
Protein change: p.Cys54Arg; replaces cysteine 54 with arginine.
Molecular consequence: missense variant.
Genome position (GRCh38, 1-based): chr20:10,672,928, A>G on the plus strand (T>C on the coding strand, the complement: JAG1 is on the minus strand). VCF-style: chr20-10672928-A-G. GRCh37 (hg19) VCF-style: chr20-10653576-A-G.
Other names: short protein forms C54R.
Identifiers: ClinVar variation 3573254 (VCV003573254.2).

Conditions:
Arteriohepatic dysplasia. Also called: Alagille Syndrome. Identifiers: Orphanet 52, MedGen C0085280, MeSH D016738, MONDO:0007318.

Submission:

Gilbert/Spinner Lab, Children's Hospital of Philadelphia
No classification provided (evidence only). Condition: Alagille syndrome. Review status: no classification provided. Collection method: research. Allele origin: not applicable. Functional consequence: functionally_abnormal.
ClinVar note: "not provided" was previously submitted as the classification for the variant. However, the classification appeared to be based only on an observation of functional data so it was converted to no classification on 2025-07-30.